The following is an entry in ClinVar:

ClinVar aggregate classification (germline): Likely pathogenic (1 of 4 stars; one submission).

Submission:

Dasa
Classification: Likely pathogenic. Last evaluated: 2025-10-09. Review status: criteria provided, single submitter. Criteria: DASA Assertion Criteria. Collection method: clinical testing. Allele origin: germline.
Comment: NM_004544.4(NDUFA10):c.258del (p.Pro87Leufs*65) is a frameshift variant in NDUFA10 predicted to alter the reading frame and introduce a premature termination codon and is predicted to result in an absent or altered protein product. Loss of function is an established disease mechanism for NDUFA10-associated disorders. Also, this variant is absent from population databases. Based on the currently available evidence, this variant is classified as likely pathogenic.

NM_004544.4(NDUFA10):c.258del (p.Pro87fs)

Gene: NDUFA10 (NADH:ubiquinone oxidoreductase subunit A10; minus strand). Cytogenetic location: 2q37.3.
Variant type: Deletion.
Coding change: c.258del on transcript NM_004544.4 (MANE Select); coding-DNA position 258, one base deleted (T; older notation c.258delT).
Protein change: p.Pro87fs; shifts the reading frame from proline 87.
Molecular consequence: frameshift variant. On other transcripts: non-coding transcript variant (4).
Genome position (GRCh38, 1-based): chr2:240,021,399, A deleted on the plus strand (T on the coding strand, the reverse complement: NDUFA10 is on the minus strand); the first of 3 consecutive A bases (chr2:240,021,399-240,021,401); deleting any one gives the same sequence. VCF-style (leftmost placement, unchanged base first): chr2-240021398-GA-G. GRCh37 (hg19) VCF-style: chr2-240960815-GA-G.
Other names: c.258del, p.Pro87fs (NM_001322019.2, NM_001322020.2, NM_001410987.1); short protein forms P87fs.
Identifiers: ClinVar variation 4880529 (VCV004880529.2).